The following is an entry in ClinVar:

NM_001171.6(ABCC6):c.3088C>T (p.Arg1030Ter)

Gene: ABCC6 (ATP binding cassette subfamily C member 6; minus strand). Cytogenetic location: 16p13.11.
Variant type: single nucleotide variant.
Coding change: c.3088C>T on transcript NM_001171.6 (MANE Select); coding-DNA position 3088, C replaced by T.
Protein change: p.Arg1030Ter; replaces arginine 1030 with a stop codon.
Molecular consequence: nonsense. On other transcripts: non-coding transcript variant (1).
Genome position (GRCh38, 1-based): chr16:16,165,841, G>A on the plus strand (C>T on the coding strand, the complement: ABCC6 is on the minus strand). VCF-style: chr16-16165841-G-A. GRCh37 (hg19) VCF-style: chr16-16259698-G-A.
Other names: c.2746C>T, p.Arg916Ter (NM_001351800.1); short protein forms R1030*, R916*.
Identifiers: ClinVar variation 433300 (VCV000433300.24), dbSNP rs72653705, ClinGen allele CA278633213.

ClinVar aggregate classification (germline): Pathogenic/Likely pathogenic. Review status: criteria provided, multiple submitters, no conflicts (2 of 4 stars). 8 submissions from 8 submitters: Pathogenic (6); Likely pathogenic (1). 1 of the submissions does not count toward it. Last evaluated 2026-01-22.

Conditions:
ABCC6-related disorder. Also called: ABCC6-related condition.
Autosomal recessive inherited pseudoxanthoma elasticum (PXE). Identifiers: Orphanet 758, MedGen CN032334, MONDO:0009925, OMIM 264800.

Allele frequency attached by ClinVar (database versions not stated): gnomAD 0.00002 and 0.00004; TOPMed 0.00002; gnomAD exomes 0.00003.
gnomAD v4.1: 51 of 1,613,370 alleles (0.0032%); highest among the groups gnomAD compares: South Asian, 0.0077%; 1 homozygote.

Submissions (8):

PreventionGenetics, part of Exact Sciences
Classification: Pathogenic for ABCC6-related condition. Last evaluated: 2026-01-22. Review status: criteria provided, single submitter. Criteria: ACMG Guidelines, 2015. Collection method: clinical testing. Allele origin: germline.
Comment: The ABCC6 c.3088C>T variant is predicted to result in premature protein termination (p.Arg1030*). This variant has been reported in individuals with pseudoxanthoma elasticum (PXE; Table 1, Le Saux et al. 2001. PubMed ID: 11536079; Table 2, Gheduzzi et al. 2004. PubMed ID: 15459974; Table S1, Boraldi et al. 2021. PubMed ID: 34205333; Table S1, Saeidian et al. 2022. PubMed ID: 34906475). This variant is present in 0.0033% of alleles in individuals of South Asian descent in gnomAD. Nonsense variants in ABCC6 are an established mechanism of disease. This variant is interpreted as pathogenic.

Labcorp Genetics (formerly Invitae), Labcorp
Classification: Pathogenic. Last evaluated: 2025-11-05. Review status: criteria provided, single submitter. Criteria: Invitae Variant Classification Sherloc (09022015). Collection method: clinical testing. Allele origin: germline.
Comment: This sequence change creates a premature translational stop signal (p.Arg1030*) in the ABCC6 gene. It is expected to result in an absent or disrupted protein product. Loss-of-function variants in ABCC6 are known to be pathogenic (PMID: 11536079, 17617515). This variant is present in population databases (rs72653705, gnomAD 0.003%). This premature translational stop signal has been observed in individual(s) with clinical features of pseudoxanthoma elasticum (PMID: 11536079, 15459974). ClinVar contains an entry for this variant (Variation ID: 433300). For these reasons, this variant has been classified as Pathogenic.

CeGaT Center for Human Genetics Tuebingen
Classification: Pathogenic. Last evaluated: 2025-08-01. Review status: criteria provided, single submitter. Criteria: CeGaT Center For Human Genetics Tuebingen Variant Classification Criteria Version 2. Collection method: clinical testing. Allele origin: germline. Affected: yes. Observed: 1 variant allele.
Comment: ABCC6: PVS1, PM3:Strong, PM2

Laboratory of Genetics, Children's Clinical University Hospital Latvia
Classification: Pathogenic. Last evaluated: 2025-02-16. Review status: criteria provided, single submitter. Criteria: ACMG Guidelines, 2015. Collection method: clinical testing. Allele origin: germline. Affected: yes.

Blueprint Genetics
Classification: Pathogenic for ABCC6-related disorders. Last evaluated: 2022-07-22. Review status: criteria provided, single submitter. Criteria: ACMG Guidelines, 2015. Collection method: clinical testing. Allele origin: germline. Affected: yes. Observed: 5 variant alleles.

Revvity Omics, Revvity
Classification: Likely pathogenic. Last evaluated: 2021-11-27. Review status: criteria provided, single submitter. Criteria: ACMG Guidelines, 2015. Collection method: clinical testing. Allele origin: germline.

GeneDx
Classification: Pathogenic. Last evaluated: 2020-07-08. Review status: criteria provided, single submitter. Criteria: GeneDx Variant Classification Process June 2021. Collection method: clinical testing. Allele origin: germline. Affected: yes.
Comment: Nonsense variant predicted to result in protein truncation or nonsense mediated decay in a gene for which loss-of-function is a known mechanism of disease; This variant is associated with the following publications: (PMID: 11536079, 25525159, 31589614, 18513494, 15459974)

PXE International
Classification: Likely pathogenic for Autosomal recessive inherited pseudoxanthoma elasticum. Last evaluated: 2021-03-12. Review status: no assertion criteria provided. Collection method: research. Allele origin: germline. Inheritance: Autosomal recessive inheritance. Affected: yes. Observed: 1 variant allele. Not counted in ClinVar's aggregate classification.

Literature cited by the submitters: PubMed 11536079 (cited by Labcorp Genetics (formerly Invitae), Labcorp); PubMed 17617515 (cited by Labcorp Genetics (formerly Invitae), Labcorp); PubMed 15459974 (cited by Labcorp Genetics (formerly Invitae), Labcorp).